The following is an entry in ClinVar:

NM_007294.4(BRCA1):c.1997T>C (p.Leu666Pro)

Gene: BRCA1 (BRCA1 DNA repair associated; minus strand). Cytogenetic location: 17q21.31.
Variant type: single nucleotide variant.
Coding change: c.1997T>C on transcript NM_007294.4 (MANE Select); coding-DNA position 1997, T replaced by C.
Protein change: p.Leu666Pro; replaces leucine 666 with proline.
Molecular consequence: missense variant. On other transcripts: intron variant (137).
Genome position (GRCh38, 1-based): chr17:43,093,534, A>G on the plus strand (T>C on the coding strand, the complement: BRCA1 is on the minus strand). VCF-style: chr17-43093534-A-G. GRCh37 (hg19) VCF-style: chr17-41245551-A-G.
Other names: c.1997T>C, p.Leu666Pro (NM_001407594.1, NM_001407596.1, NM_001407597.1 and 30 more transcripts); c.1994T>C, p.Leu665Pro (NM_001407610.1, NM_001407611.1, NM_001407627.1 and 22 more transcripts); c.1988T>C, p.Leu663Pro (NM_001407646.1, NM_001407647.1); c.1874T>C, p.Leu625Pro (NM_001407648.1, NM_001407664.1, NM_001407665.1 and 19 more transcripts); c.1871T>C, p.Leu624Pro (NM_001407649.1, NM_001407670.1, NM_001407671.1 and 11 more transcripts); c.1919T>C, p.Leu640Pro (NM_001407663.1, NM_001407653.1, NM_001407654.1 and 4 more transcripts); c.1856T>C, p.Leu619Pro (NM_001407727.1, NM_001407728.1, NM_001407729.1 and 29 more transcripts); c.1853T>C, p.Leu618Pro (NM_001407746.1, NM_001407747.1, NM_001407748.1 and 20 more transcripts); and 40 more; short protein forms L666P, L619P, L370P, L596P, L599P, L538P, L577P, L595P.
Identifiers: ClinVar variation 584952 (VCV000584952.8), dbSNP rs1567797346, ClinGen allele CA10598017.

ClinVar aggregate classification (germline): Conflicting classifications of pathogenicity. Review status: criteria provided, conflicting classifications (1 of 4 stars). 3 submissions from 3 submitters: Uncertain significance (2); Likely benign (1). Last evaluated 2023-03-23.

Conditions:
Breast-ovarian cancer, familial, susceptibility to, 1 (BROVCA1). Also called: BRCA1 Hereditary Breast and Ovarian Cancer; OVARIAN CANCER, SUSCEPTIBILITY TO. Identifiers: Orphanet 145, MedGen C2676676, MONDO:0011450, OMIM 604370. Disease mechanism: loss of function.
Hereditary cancer-predisposing syndrome. Also called: Tumor predisposition; Neoplastic Syndromes, Hereditary; Hereditary Cancer Syndrome; Hereditary neoplastic syndrome. Identifiers: Orphanet 140162, MedGen C0027672, MeSH D009386, MONDO:0015356.
Hereditary breast ovarian cancer syndrome. Also called: Hereditary breast and ovarian cancer; Hereditary breast and ovarian cancer syndrome; Hereditary breast and ovarian cancer syndrome (HBOC); Breast and ovarian cancer; BRCA1- and BRCA2-Associated Hereditary Breast and Ovarian Cancer; Hereditary breast and/or ovarian cancer syndrome. Identifiers: Orphanet 145, MedGen C0677776, MeSH D061325, MONDO:0003582. Disease mechanism: loss of function.

Submissions (3):

University of Washington Department of Laboratory Medicine, University of Washington
Classification: Likely benign for Hereditary cancer-predisposing syndrome. Last evaluated: 2023-03-23. Review status: criteria provided, single submitter. Criteria: Dines et al. (Genet Med. 2020). Collection method: curation. Allele origin: germline.
Comment: Missense variant in a coldspot region where missense variants are very unlikely to be pathogenic (PMID:31911673).

BRCA1 coldspot (exon 11 using historical exon numbering). Reclassification based on statistical prior probability

Labcorp Genetics (formerly Invitae), Labcorp
Classification: Uncertain significance for Hereditary breast ovarian cancer syndrome. Last evaluated: 2022-10-25. Review status: criteria provided, single submitter. Criteria: Invitae Variant Classification Sherloc (09022015). Collection method: clinical testing. Allele origin: germline.
Comment: This sequence change replaces leucine, which is neutral and non-polar, with proline, which is neutral and non-polar, at codon 666 of the BRCA1 protein (p.Leu666Pro). This variant is not present in population databases (gnomAD no frequency). This variant has not been reported in the literature in individuals affected with BRCA1-related conditions. ClinVar contains an entry for this variant (Variation ID: 584952). Advanced modeling of protein sequence and biophysical properties (such as structural, functional, and spatial information, amino acid conservation, physicochemical variation, residue mobility, and thermodynamic stability) performed at Invitae indicates that this missense variant is not expected to disrupt BRCA1 protein function. In summary, the available evidence is currently insufficient to determine the role of this variant in disease. Therefore, it has been classified as a Variant of Uncertain Significance.

Mendelics
Classification: Uncertain significance for Breast-ovarian cancer, familial, susceptibility to, 1. Last evaluated: 2019-05-28. Review status: criteria provided, single submitter. Criteria: Mendelics Assertion Criteria 2017. Collection method: clinical testing. Allele origin: unknown.